The following is an entry in ClinVar:

NM_001366385.1(CARD14):c.599G>A (p.Ser200Asn)

Gene: CARD14 (caspase recruitment domain family member 14; plus strand). Cytogenetic location: 17q25.3.
Variant type: single nucleotide variant.
Coding change: c.599G>A on transcript NM_001366385.1 (MANE Select); coding-DNA position 599, G replaced by A.
Protein change: p.Ser200Asn; replaces serine 200 with asparagine.
Molecular consequence: missense variant. On other transcripts: non-coding transcript variant (1).
Genome position (GRCh38, 1-based): chr17:80,184,162, G>A. VCF-style: chr17-80184162-G-A. GRCh37 (hg19) VCF-style: chr17-78157961-G-A.
Other names: c.599G>A, p.Ser200Asn (NM_024110.4, NM_001257970.1); short protein forms S200N.
Identifiers: ClinVar variation 68785 (VCV000068785.46), dbSNP rs114688446, ClinGen allele CA219920.

ClinVar aggregate classification (germline): Benign/Likely benign. Review status: criteria provided, multiple submitters, no conflicts (2 of 4 stars). 8 submissions from 8 submitters: Benign (4); Likely benign (3). 1 of the submissions does not count toward it. Last evaluated 2026-04-01.

Conditions:
Autoinflammatory syndrome. Identifiers: Orphanet 93665, MedGen C3890737, MONDO:0019751.
Pityriasis rubra pilaris (PRP). Also called: Pityriasis rubra pilaris--familial type. Identifiers: Orphanet 2897, MedGen C0032027, MONDO:0100017, OMIM 173200, MONDO:0008251.
Psoriasis 2. Identifiers: MedGen C1864497, MONDO:0011269, OMIM 602723.

Allele frequency attached by ClinVar (database versions not stated): 1000 Genomes Project 0.00220; 1000 Genomes Project 30x 0.00250; TOPMed 0.00608.
gnomAD v4.1: 11,565 of 1,563,970 alleles (0.74%); highest among the groups gnomAD compares: South Asian, 0.82%; 74 homozygotes.

Submissions (8):

CeGaT Center for Human Genetics Tuebingen
Classification: Likely benign. Last evaluated: 2026-04-01. Review status: criteria provided, single submitter. Criteria: CeGaT Center For Human Genetics Tuebingen Variant Classification Criteria Version 2. Collection method: clinical testing. Allele origin: germline. Affected: yes. Observed: 33 variant alleles.
Comment: CARD14: BP4, BS2

Labcorp Genetics (formerly Invitae), Labcorp
Classification: Benign for Pityriasis rubra pilaris; Psoriasis 2. Last evaluated: 2026-02-01. Review status: criteria provided, single submitter. Criteria: Invitae Variant Classification Sherloc (09022015). Collection method: clinical testing. Allele origin: germline.

Women's Health and Genetics/Laboratory Corporation of America, LabCorp
Classification: Likely benign. Last evaluated: 2026-01-22. Review status: criteria provided, single submitter. Criteria: LabCorp Variant Classification Summary - May 2015. Collection method: clinical testing. Allele origin: germline.

Mayo Clinic Laboratories, Mayo Clinic
Classification: Benign. Last evaluated: 2025-04-15. Review status: criteria provided, single submitter. Criteria: ACMG Guidelines, 2015. Collection method: clinical testing. Allele origin: germline. Observed: 19 variant alleles.
Comment: BS1, BS2, BP4

Blueprint Genetics
Classification: Likely benign. Last evaluated: 2024-11-22. Review status: criteria provided, single submitter. Criteria: ACMG Guidelines, 2015. Collection method: clinical testing. Allele origin: germline.

Genome Diagnostics Laboratory, The Hospital for Sick Children
Classification: Benign for Autoinflammatory syndrome. Last evaluated: 2022-03-05. Review status: criteria provided, single submitter. Criteria: ACMG Guidelines, 2015. Collection method: clinical testing. Allele origin: germline. Affected: yes.

Breakthrough Genomics
Classification: Benign. Review status: criteria provided, single submitter. Criteria: ACMG Guidelines, 2015. Collection method: not provided. Allele origin: germline. Inheritance: Autosomal dominant inheritance. Affected: yes.

UniProtKB/Swiss-Prot
No classification provided. Review status: no classification provided. Collection method: not provided. Allele origin: not provided. Not counted in ClinVar's aggregate classification.